The following is an entry in ClinVar:

ClinVar aggregate classification (germline): Conflicting classifications of pathogenicity. Review status: criteria provided, conflicting classifications (1 of 4 stars). 4 submissions from 4 submitters: Uncertain significance (1); Likely benign (2). 1 of the submissions does not count toward it. Last evaluated 2026-01-26.

Conditions:
Fraser syndrome 2 (FRASRS2). Identifiers: MedGen C4540036, MONDO:0054738, OMIM 617666.
FREM2-related disorder. Also called: FREM2-related condition.

Allele frequency attached by ClinVar (database versions not stated): TOPMed 0.00002; ExAC 0.00013.

Submissions (4):

Labcorp Genetics (formerly Invitae), Labcorp
Classification: Likely benign. Last evaluated: 2026-01-26. Review status: criteria provided, single submitter. Criteria: Invitae Variant Classification Sherloc (09022015). Collection method: clinical testing. Allele origin: germline.

Blueprint Genetics
Classification: Likely benign. Last evaluated: 2024-11-05. Review status: criteria provided, single submitter. Criteria: ACMG Guidelines, 2015. Collection method: clinical testing. Allele origin: germline.

Illumina Laboratory Services, Illumina
Classification: Uncertain significance for Fraser syndrome 2. Last evaluated: 2018-01-13. Review status: criteria provided, single submitter. Criteria: ICSL Variant Classification Criteria 13 December 2019. Collection method: clinical testing. Allele origin: germline.

PreventionGenetics, part of Exact Sciences
Classification: Likely benign for FREM2-related condition. Last evaluated: 2021-07-20. Review status: no assertion criteria provided. Collection method: clinical testing. Allele origin: germline. Not counted in ClinVar's aggregate classification.
Comment: This variant is classified as likely benign based on ACMG/AMP sequence variant interpretation guidelines (Richards et al. 2015 PMID: 25741868, with internal and published modifications).

NM_207361.6(FREM2):c.5263+10C>T

Gene: FREM2 (FRAS1 related extracellular matrix 2; plus strand). Cytogenetic location: 13q13.3.
Variant type: single nucleotide variant.
Coding change: c.5263+10C>T on transcript NM_207361.6 (MANE Select); 10 bases into the intron after coding-DNA position 5263, C replaced by T.
Molecular consequence: intron variant.
Genome position (GRCh38, 1-based): chr13:38,697,797, C>T. VCF-style: chr13-38697797-C-T. GRCh37 (hg19) VCF-style: chr13-39271934-C-T.
Other names: c.5263+10C>T (NM_207361.5).
Identifiers: ClinVar variation 882691 (VCV000882691.13), dbSNP rs781240147, ClinGen allele CA6955187.